The following is an entry in ClinVar:

ClinVar aggregate classification (germline): Uncertain significance. Review status: criteria provided, single submitter (1 of 4 stars). 2 submissions from 2 submitters: Uncertain significance (1). 1 of the submissions does not count toward it. Last evaluated 2024-02-24.

Conditions:
Enhanced S-cone syndrome (ESCS). Identifiers: Orphanet 53540, MedGen C1849394, MONDO:0100288, MONDO:0009989.

gnomAD v4.1: 4 of 1,567,382 alleles (0.00026%); highest among the groups gnomAD compares: South Asian, 0.0012%; no homozygotes.

Submissions (2):

Labcorp Genetics (formerly Invitae), Labcorp
Classification: Uncertain significance. Last evaluated: 2024-02-24. Review status: criteria provided, single submitter. Criteria: Invitae Variant Classification Sherloc (09022015). Collection method: clinical testing. Allele origin: germline.
Comment: This sequence change replaces valine, which is neutral and non-polar, with leucine, which is neutral and non-polar, at codon 49 of the NR2E3 protein (p.Val49Leu). This variant is not present in population databases (gnomAD no frequency). This missense change has been observed in individual(s) with autosomal recessive retinitis pigmentosa (Invitae). In at least one individual the data is consistent with being in trans (on the opposite chromosome) from a pathogenic variant. ClinVar contains an entry for this variant (Variation ID: 843880). Advanced modeling of protein sequence and biophysical properties (such as structural, functional, and spatial information, amino acid conservation, physicochemical variation, residue mobility, and thermodynamic stability) performed at Invitae indicates that this missense variant is expected to disrupt NR2E3 protein function with a positive predictive value of 80%. In summary, the available evidence is currently insufficient to determine the role of this variant in disease. Therefore, it has been classified as a Variant of Uncertain Significance.

Natera, Inc.
Classification: Uncertain significance for Enhanced S cone syndrome. Last evaluated: 2020-02-26. Review status: no assertion criteria provided. Collection method: clinical testing. Allele origin: germline. Not counted in ClinVar's aggregate classification.

NM_014249.4(NR2E3):c.145G>C (p.Val49Leu)

Gene: NR2E3 (nuclear receptor subfamily 2 group E member 3; plus strand). Cytogenetic location: 15q23.
Variant type: single nucleotide variant.
Coding change: c.145G>C on transcript NM_014249.4 (MANE Select); coding-DNA position 145, G replaced by C.
Protein change: p.Val49Leu; replaces valine 49 with leucine.
Molecular consequence: missense variant.
Genome position (GRCh38, 1-based): chr15:71,811,509, G>C. VCF-style: chr15-71811509-G-C. GRCh37 (hg19) VCF-style: chr15-72103849-G-C.
Other names: c.145G>C, p.Val49Leu (NM_016346.4); short protein forms V49L.
Identifiers: ClinVar variation 843880 (VCV000843880.9), dbSNP rs890956501, ClinGen allele CA393031980.